The following is an entry in ClinVar:

NM_000038.6(APC):c.-19G>C

Gene: APC (APC regulator of WNT signaling pathway; plus strand). Cytogenetic location: 5q22.2.
Variant type: single nucleotide variant.
Coding change: c.-19G>C on transcript NM_000038.6 (MANE Select); 19 bases upstream of the start codon, G replaced by C.
Molecular consequence: 5 prime UTR variant. On other transcripts: intron variant (4).
Genome position (GRCh38, 1-based): chr5:112,737,925, G>C. VCF-style: chr5-112737925-G-C. GRCh37 (hg19) VCF-style: chr5-112073622-G-C.
Other names: c.-127G>C (NM_001127510.3); c.-19G>C (NM_001354896.2, NM_001354899.2, NM_001354903.2); c.-49G>C (NM_001354898.2, NM_001354904.2); c.-43G>C (NM_001354900.2, NM_001354901.2, NM_001354905.2); c.-1054G>C (NM_001354906.2); c.-18-16948G>C (NM_001354895.2); c.166-28401G>C (NM_001354897.2, NM_001354902.2, NM_001127511.3).
Identifiers: ClinVar variation 420943 (VCV000420943.2), dbSNP rs1064793813, ClinGen allele CA16618063.

ClinVar aggregate classification (germline): Uncertain significance (1 of 4 stars; one submission).

gnomAD v4.1: 1 of 985,920 alleles (0.0001%); highest among the groups gnomAD compares: African/African-American, 0.0017%; no homozygotes.

Submission:

GeneDx
Classification: Uncertain significance. Last evaluated: 2016-04-13. Review status: criteria provided, single submitter. Criteria: GeneDx Variant Classification (06012015). Collection method: clinical testing. Allele origin: germline. Affected: yes.
Comment: This variant is denoted APC c.-19G>C, and describes a nucleotide substitution, in the 5' untranslated region (UTR), 19 base pairs upstream of the APC ATG translational start site, which is located in exon 2. This variant does not appear to affect the start codon or the Kozak translational consensus sequence and has not, to our knowledge, been published in the literature as pathogenic or benign. Multiple splicing models predict that this variant may damage or destroy a natural splice donor site for intron 1; however, it is unknown whether this change will affect the promoter and/or protein translation. APC c.-19G>C occurs at a position that is conserved and is not covered in the NHLBI Exome Sequencing Project. At this time, we consider APC c.-19G>C to be a variant of uncertain significance.